The following is an entry in ClinVar:

NM_020163.3(SEMA3G):c.2066C>T (p.Pro689Leu)

Gene: SEMA3G (semaphorin 3G; minus strand). Cytogenetic location: 3p21.1.
Variant type: single nucleotide variant.
Coding change: c.2066C>T on transcript NM_020163.3 (MANE Select); coding-DNA position 2066, C replaced by T.
Protein change: p.Pro689Leu; replaces proline 689 with leucine.
Molecular consequence: missense variant.
Genome position (GRCh38, 1-based): chr3:52,435,886, G>A on the plus strand (C>T on the coding strand, the complement: SEMA3G is on the minus strand). VCF-style: chr3-52435886-G-A. GRCh37 (hg19) VCF-style: chr3-52469902-G-A.
Other names: short protein forms P689L.
Identifiers: ClinVar variation 4999829 (VCV004999829.1).

ClinVar aggregate classification (germline): Uncertain significance (1 of 4 stars; one submission).

Conditions:
SEMA3G-related disorder. Also called: SEMA3G-related condition.

gnomAD v4.1: 1 of 1,614,102 alleles (0.000062%); highest among the groups gnomAD compares: Non-Finnish European, 0.000085%; no homozygotes.

Submission:

PreventionGenetics, part of Exact Sciences
Classification: Uncertain significance for SEMA3G-related condition. Last evaluated: 2025-07-01. Review status: criteria provided, single submitter. Criteria: ACMG Guidelines, 2015. Collection method: clinical testing. Allele origin: germline.
Comment: The SEMA3G c.2066C>T variant is predicted to result in the amino acid substitution p.Pro689Leu. To our knowledge, this variant has not been reported in the literature or in a large population database (gnomAD), indicating this variant is rare. At this time, the clinical significance of this variant is uncertain due to the absence of conclusive functional and genetic evidence.